The following is an entry in ClinVar:

ClinVar aggregate classification (germline): Conflicting classifications of pathogenicity. Review status: criteria provided, conflicting classifications (1 of 4 stars). 10 submissions from 10 submitters: Uncertain significance (7); Likely benign (2). 1 of the submissions does not count toward it. Last evaluated 2025-12-24.

Conditions:
Hereditary breast ovarian cancer syndrome. Also called: Hereditary breast and ovarian cancer syndrome; Hereditary breast and ovarian cancer; Hereditary breast and ovarian cancer syndrome (HBOC); Breast and ovarian cancer; Hereditary breast and/or ovarian cancer syndrome; BRCA1- and BRCA2-Associated Hereditary Breast and Ovarian Cancer. Identifiers: Orphanet 145, MedGen C0677776, MeSH D061325, MONDO:0003582. Disease mechanism: loss of function.
Breast-ovarian cancer, familial, susceptibility to, 2 (BROVCA2). Also called: BRCA2 Hereditary Breast and Ovarian Cancer. Identifiers: Orphanet 145, MedGen C2675520, MONDO:0012933, OMIM 612555. Disease mechanism: loss of function.
Hereditary cancer-predisposing syndrome. Also called: Neoplastic Syndromes, Hereditary; Tumor predisposition; Hereditary Cancer Syndrome; Hereditary neoplastic syndrome. Identifiers: Orphanet 140162, MedGen C0027672, MeSH D009386, MONDO:0015356.

Allele frequency attached by ClinVar (database versions not stated): gnomAD exomes below 0.00001; TOPMed 0.00001.
gnomAD v4.1: 6 of 1,613,922 alleles (0.00037%); highest among the groups gnomAD compares: Non-Finnish European, 0.00051%; no homozygotes.

Submissions (10):

Labcorp Genetics (formerly Invitae), Labcorp
Classification: Uncertain significance for Hereditary breast ovarian cancer syndrome. Last evaluated: 2025-12-24. Review status: criteria provided, single submitter. Criteria: Invitae Variant Classification Sherloc (09022015). Collection method: clinical testing. Allele origin: germline.
Comment: This sequence change replaces threonine, which is neutral and polar, with alanine, which is neutral and non-polar, at codon 1505 of the BRCA2 protein (p.Thr1505Ala). This variant is present in population databases (rs80358682, gnomAD 0.0009%). This missense change has been observed in individual(s) with male breast cancer (PMID: 20927582). ClinVar contains an entry for this variant (Variation ID: 51658). Invitae Evidence Modeling of protein sequence and biophysical properties (such as structural, functional, and spatial information, amino acid conservation, physicochemical variation, residue mobility, and thermodynamic stability) indicates that this missense variant is not expected to disrupt BRCA2 protein function with a negative predictive value of 95%. In summary, the available evidence is currently insufficient to determine the role of this variant in disease. Therefore, it has been classified as a Variant of Uncertain Significance.

Quest Diagnostics Nichols Institute San Juan Capistrano
Classification: Uncertain significance. Last evaluated: 2025-10-18. Review status: criteria provided, single submitter. Criteria: Quest Diagnostics criteria. Collection method: clinical testing. Allele origin: unknown.
Comment: The BRCA2 c.4513A>G (p.Thr1505Ala) variant has been reported in the published literature in individuals affected with breast cancer (PMID: 20927582 (2011), 33471991 (2021), see also LOVD), and is described to be located in a region of the BRCA2 gene that is tolerant to missense sequence changes (PMID: 31911673 (2020)). In addition, this variant was reported as being likely benign in a multifactorial likelihood study (PMID: 31131967 (2019)). The frequency of this variant in the general population (Genome Aggregation Database) is uninformative in the assessment of its pathogenicity. Analysis of this variant using bioinformatics tools for the prediction of the effect of amino acid changes on protein structure and function yielded predictions that this variant is benign. Based on the available information, we are unable to determine the clinical significance of this variant.

Center for Genomic Medicine, Rigshospitalet, Copenhagen University Hospital
Classification: Likely benign. Last evaluated: 2025-03-04. Review status: criteria provided, single submitter. Criteria: ACMG Guidelines, 2015. Collection method: clinical testing. Allele origin: germline.

Ambry Genetics
Classification: Uncertain significance for Hereditary cancer-predisposing syndrome. Last evaluated: 2024-09-09. Review status: criteria provided, single submitter. Criteria: Ambry Variant Classification Scheme 2023. Collection method: clinical testing. Allele origin: germline.
Comment: The p.T1505A variant (also known as c.4513A>G), located in coding exon 10 of the BRCA2 gene, results from an A to G substitution at nucleotide position 4513. The threonine at codon 1505 is replaced by alanine, an amino acid with similar properties. This alteration was detected in a cohort of 210 male breast cancer patients and classified as likely neutral by the authors (Ding YC et al. Breast Cancer Res Treat. 2011 Apr;126(3):771-8). This amino acid position is not well conserved in available vertebrate species. In addition, this alteration is predicted to be tolerated by in silico analysis. Since supporting evidence is limited at this time, the clinical significance of this alteration remains unclear.

All of Us Research Program, National Institutes of Health
Classification: Uncertain significance for Breast-ovarian cancer, familial, susceptibility to, 2. Last evaluated: 2023-10-06. Review status: criteria provided, single submitter. Criteria: ACMG Guidelines, 2015. Collection method: clinical testing. Allele origin: germline. Inheritance: Autosomal dominant inheritance. Observed: 1 variant allele, 1 heterozygote.
Comment: This variant is located in the BRCA2 protein. Computational prediction suggests that this variant may not impact protein structure and function (internally defined REVEL score threshold <= 0.5, PMID: 27666373). To our knowledge, functional studies have not been reported for this variant. This variant has been identified in 1/250254 chromosomes in the general population by the Genome Aggregation Database (gnomAD). The available evidence is insufficient to determine the role of this variant in disease conclusively. Therefore, this variant is classified as a Variant of Uncertain Significance.

This study involves interpretation of variants in research participants for the purpose of population health screening. Participant phenotype was not available at the time of variant classification. Additional details can be found in publication PMID: 35346344, PMCID: PMC8962531

Color Diagnostics, LLC DBA Color Health
Classification: Uncertain significance for Hereditary cancer-predisposing syndrome. Last evaluated: 2023-09-27. Review status: criteria provided, single submitter. Criteria: ACMG Guidelines, 2015. Collection method: clinical testing. Allele origin: germline.
Comment: This variant is located in the BRCA2 protein. Computational prediction suggests that this variant may not impact protein structure and function (internally defined REVEL score threshold <= 0.5, PMID: 27666373). To our knowledge, functional studies have not been reported for this variant. This variant has been identified in 1/250254 chromosomes in the general population by the Genome Aggregation Database (gnomAD). The available evidence is insufficient to determine the role of this variant in disease conclusively. Therefore, this variant is classified as a Variant of Uncertain Significance.

University of Washington Department of Laboratory Medicine, University of Washington
Classification: Likely benign for Hereditary cancer-predisposing syndrome. Last evaluated: 2023-03-23. Review status: criteria provided, single submitter. Criteria: Dines et al. (Genet Med. 2020). Collection method: curation. Allele origin: germline.
Comment: Missense variant in a coldspot region where missense variants are very unlikely to be pathogenic (PMID:31911673).

BRCA2 exon 11 coldspot. Reclassification based on statistical prior probability.

ARUP Laboratories, Molecular Genetics and Genomics, ARUP Laboratories
Classification: Uncertain significance. Last evaluated: 2017-03-06. Review status: criteria provided, single submitter. Criteria: ARUP Molecular Germline Variant Investigation Process. Collection method: clinical testing. Allele origin: germline.

GeneDx
Classification: Uncertain significance. Last evaluated: 2016-08-30. Review status: criteria provided, single submitter. Criteria: GeneDx Variant Classification (06012015). Collection method: clinical testing. Allele origin: germline. Affected: yes.
Comment: This variant is denoted BRCA2 c.4513A>G at the cDNA level, p.Thr1505Ala (T1505A) at the protein level, and results in the change of a Threonine to an Alanine (ACC>GCC). Using alternate nomenclature, this variant would be defined as BRCA2 4741A>G. This variant was observed in at least one individual with male breast cancer (Ding 2011). BRCA2 Thr1505Ala was not observed in approximately 6,500 individuals of European and African American ancestry in the NHLBI Exome Sequencing Project, suggesting it is not a common benign variant in these populations. Since Threonine and Alanine differ in polarity, charge, size or other properties, this is considered a non-conservative amino acid substitution. BRCA2 Thr1505Ala occurs at a position that is not conserved and is located in the RAD51 binding domain and POLH binding domain (Roy 2012, Buisson 2014). In silico analyses are inconsistent regarding the effect this variant may have on protein structure and function. Based on currently available evidence, it is unclear whether BRCA2 Thr1505Ala is a pathogenic or benign variant. We consider it to be a variant of uncertain significance.

Breast Cancer Information Core (BIC) (BRCA2)
Classification: Uncertain significance for Breast-ovarian cancer, familial 2. Last evaluated: 2003-12-23. Review status: no assertion criteria provided. Collection method: clinical testing. Allele origin: germline. Affected: yes. Observed: 4 variant alleles. Not counted in ClinVar's aggregate classification.

Literature cited by the submitters: PubMed 20927582 (cited by 4 submitters); PubMed 33471991 (cited by 3 submitters); PubMed 31131967 (cited by Quest Diagnostics Nichols Institute San Juan Capistrano); PubMed 31911673 (cited by Quest Diagnostics Nichols Institute San Juan Capistrano).

NM_000059.4(BRCA2):c.4513A>G (p.Thr1505Ala)

Gene: BRCA2 (BRCA2 DNA repair associated; plus strand). Cytogenetic location: 13q13.1.
Variant type: single nucleotide variant.
Coding change: c.4513A>G on transcript NM_000059.4 (MANE Select); coding-DNA position 4513, A replaced by G.
Protein change: p.Thr1505Ala; replaces threonine 1505 with alanine.
Molecular consequence: missense variant.
Genome position (GRCh38, 1-based): chr13:32,338,868, A>G. VCF-style: chr13-32338868-A-G. GRCh37 (hg19) VCF-style: chr13-32913005-A-G.
Other names: short protein forms T1505A.
Identifiers: ClinVar variation 51658 (VCV000051658.30), dbSNP rs80358682, ClinGen allele CA020295.